The following is an entry in ClinVar:

NM_000089.4(COL1A2):c.1022C>T (p.Ala341Val)

Gene: COL1A2 (collagen type I alpha 2 chain; plus strand). Cytogenetic location: 7q21.3.
Variant type: single nucleotide variant.
Coding change: c.1022C>T on transcript NM_000089.4 (MANE Select); coding-DNA position 1022, C replaced by T.
Protein change: p.Ala341Val; replaces alanine 341 with valine.
Molecular consequence: missense variant.
Genome position (GRCh38, 1-based): chr7:94,409,808, C>T. VCF-style: chr7-94409808-C-T. GRCh37 (hg19) VCF-style: chr7-94039120-C-T.
Other names: short protein forms A341V.
Identifiers: ClinVar variation 3361537 (VCV003361537.1).
Genomic context (GRCh38, chr7:94,409,808, plus strand): 5'-CCGGCCTCCCTGGACCCCGCGGTATTCCTGGCCCTGTTGGTGCTGCCGGTGCTACTGGTG[C>T]CAGAGGACTTGTTGTAAGTGGTCATGACTGTGGTTCTCATCATCCTGAAATACCACCTCT-3'
Protein context (NP_000080.2, residues 331-351): GPVGAAGATG[Ala341Val]RGLVGEPGPA

ClinVar aggregate classification (germline): Uncertain significance (1 of 4 stars; one submission).

gnomAD v4.1: 1 of 1,614,082 alleles (0.000062%); highest among the groups gnomAD compares: Non-Finnish European, 0.000085%; no homozygotes.

Submission:

GeneDx
Classification: Uncertain significance. Last evaluated: 2023-07-24. Review status: criteria provided, single submitter. Criteria: GeneDx Variant Classification Process June 2021. Collection method: clinical testing. Allele origin: germline. Affected: yes.
Comment: Has not been previously published as pathogenic or benign to our knowledge; Not observed at significant frequency in large population cohorts (gnomAD); Occurs in the triple helical domain at the X position in the canonical Gly-X-Y repeat; although this variant may have an effect on normal protein folding and function, missense substitution at the X position is not a common mechanism of disease (HGMD); In silico analysis supports that this missense variant does not alter protein structure/function